The following is an entry in ClinVar:

ClinVar aggregate classification (germline): Uncertain significance. Review status: criteria provided, single submitter (1 of 4 stars). 2 submissions from 2 submitters: Uncertain significance (1). 1 of the submissions does not count toward it. Last evaluated 2022-11-22.

Conditions:
Alstrom syndrome (ALMS). Identifiers: Orphanet 64, MedGen C0268425, MONDO:0008763, OMIM 203800.

Allele frequency attached by ClinVar (database versions not stated): gnomAD exomes below 0.00001.
gnomAD v4.1: 13 of 1,614,194 alleles (0.00081%); highest among the groups gnomAD compares: East Asian, 0.027%; no homozygotes.

Submissions (2):

Labcorp Genetics (formerly Invitae), Labcorp
Classification: Uncertain significance for Alstrom syndrome. Last evaluated: 2022-11-22. Review status: criteria provided, single submitter. Criteria: Invitae Variant Classification Sherloc (09022015). Collection method: clinical testing. Allele origin: germline.
Comment: In summary, the available evidence is currently insufficient to determine the role of this variant in disease. Therefore, it has been classified as a Variant of Uncertain Significance. Experimental studies and prediction algorithms are not available or were not evaluated, and the functional significance of this variant is currently unknown. ClinVar contains an entry for this variant (Variation ID: 554137). This variant has not been reported in the literature in individuals affected with ALMS1-related conditions. This variant is present in population databases (no rsID available, gnomAD 0.006%). This sequence change replaces histidine, which is basic and polar, with glutamine, which is neutral and polar, at codon 2627 of the ALMS1 protein (p.His2627Gln).

Counsyl
Classification: Uncertain significance for Alstrom syndrome. Last evaluated: 2017-09-27. Review status: no assertion criteria provided. Collection method: clinical testing. Allele origin: unknown. Not counted in ClinVar's aggregate classification.

NM_001378454.1(ALMS1):c.7878T>A (p.His2626Gln)

Gene: ALMS1 (ALMS1 centrosome and basal body associated protein; plus strand). Cytogenetic location: 2p13.1.
Variant type: single nucleotide variant.
Coding change: c.7878T>A on transcript NM_001378454.1 (MANE Select); coding-DNA position 7878, T replaced by A.
Protein change: p.His2626Gln; replaces histidine 2626 with glutamine.
Molecular consequence: missense variant.
Genome position (GRCh38, 1-based): chr2:73,489,837, T>A. VCF-style: chr2-73489837-T-A. GRCh37 (hg19) VCF-style: chr2-73716964-T-A.
Other names: c.7881T>A, p.His2627Gln (NM_015120.4); short protein forms H2627Q, H2626Q.
Identifiers: ClinVar variation 554137 (VCV000554137.4), dbSNP rs940478567, ClinGen allele CA50377602.